The following is an entry in ClinVar:

NM_001267550.2(TTN):c.36449-8C>A

Gene: TTN (titin; minus strand). Cytogenetic location: 2q31.2.
Variant type: single nucleotide variant.
Coding change: c.36449-8C>A on transcript NM_001267550.2 (MANE Select); 8 bases into the intron before coding-DNA position 36449, C replaced by A.
Molecular consequence: intron variant.
Genome position (GRCh38, 1-based): chr2:178,663,718, G>T on the plus strand (C>A on the coding strand, the complement: TTN is on the minus strand). VCF-style: chr2-178663718-G-T. GRCh37 (hg19) VCF-style: chr2-179528445-G-T.
Other names: c.13283-21401C>A (NM_003319.4); c.13859-21401C>A (NM_133437.4); c.13658-21401C>A (NM_133432.3); c.31484-663C>A (NM_133378.4); c.34265-663C>A (NM_001256850.1).
Identifiers: ClinVar variation 3030895 (VCV003030895.2), dbSNP rs189133766, ClinGen allele CA1997461.

ClinVar aggregate classification (germline): Likely benign (0 of 4 stars; one submission).

Conditions:
TTN-related disorder. Also called: TTN-related condition; TTN-related disease; TTN-related disorders.

Allele frequency attached by ClinVar (database versions not stated): ExAC 0.00002; gnomAD 0.00003; TOPMed 0.00007; 1000 Genomes Project 0.00020; 1000 Genomes Project 30x 0.00031.
gnomAD v4.1: 11 of 1,612,826 alleles (0.00068%); highest among the groups gnomAD compares: Admixed American, 0.005%; no homozygotes.

Submission:

PreventionGenetics, part of Exact Sciences
Classification: Likely benign for TTN-related condition. Last evaluated: 2021-07-14. Review status: no assertion criteria provided. Collection method: clinical testing. Allele origin: germline.
Comment: This variant is classified as likely benign based on ACMG/AMP sequence variant interpretation guidelines (Richards et al. 2015 PMID: 25741868, with internal and published modifications).